The following is an entry in ClinVar:

NM_020964.3(EPG5):c.5567G>A (p.Arg1856Lys)

Gene: EPG5 (ectopic P-granules 5 autophagy tethering factor; minus strand). Cytogenetic location: 18q12.3.
Variant type: single nucleotide variant.
Coding change: c.5567G>A on transcript NM_020964.3 (MANE Select); coding-DNA position 5567, G replaced by A.
Protein change: p.Arg1856Lys; replaces arginine 1856 with lysine.
Molecular consequence: missense variant.
Genome position (GRCh38, 1-based): chr18:45,880,175, C>T on the plus strand (G>A on the coding strand, the complement: EPG5 is on the minus strand). VCF-style: chr18-45880175-C-T. GRCh37 (hg19) VCF-style: chr18-43460140-C-T.
Other names: c.5567G>A, p.Arg1856Lys (NM_001410858.1, NM_001410859.1); short protein forms R1856K.
Identifiers: ClinVar variation 3607841 (VCV003607841.2).

ClinVar aggregate classification (germline): Uncertain significance (1 of 4 stars; one submission).

Conditions:
Vici syndrome (VICIS). Identifiers: Orphanet 1493, MedGen C1855772, MONDO:0009452, OMIM 242840.

gnomAD v4.1: 17 of 1,610,722 alleles (0.0011%); highest among the groups gnomAD compares: South Asian, 0.0033%; no homozygotes.

Submission:

Labcorp Genetics (formerly Invitae), Labcorp
Classification: Uncertain significance for Vici syndrome. Last evaluated: 2024-03-11. Review status: criteria provided, single submitter. Criteria: Invitae Variant Classification Sherloc (09022015). Collection method: clinical testing. Allele origin: germline.
Comment: This sequence change replaces arginine, which is basic and polar, with lysine, which is basic and polar, at codon 1856 of the EPG5 protein (p.Arg1856Lys). This variant is present in population databases (no rsID available, gnomAD 0.003%). This variant has not been reported in the literature in individuals affected with EPG5-related conditions. Advanced modeling of protein sequence and biophysical properties (such as structural, functional, and spatial information, amino acid conservation, physicochemical variation, residue mobility, and thermodynamic stability) performed at Invitae indicates that this missense variant is not expected to disrupt EPG5 protein function with a negative predictive value of 80%. In summary, the available evidence is currently insufficient to determine the role of this variant in disease. Therefore, it has been classified as a Variant of Uncertain Significance.